The following is an entry in ClinVar:

NM_024642.5(GALNT12):c.1491C>G (p.Arg497=)

Gene: GALNT12 (polypeptide N-acetylgalactosaminyltransferase 12; plus strand). Cytogenetic location: 9q22.33.
Variant type: single nucleotide variant.
Coding change: c.1491C>G on transcript NM_024642.5 (MANE Select); coding-DNA position 1491, C replaced by G.
Protein change: p.Arg497=; no amino-acid change (arginine 497 retained).
Molecular consequence: synonymous variant.
Genome position (GRCh38, 1-based): chr9:98,846,009, C>G. VCF-style: chr9-98846009-C-G. GRCh37 (hg19) VCF-style: chr9-101608291-C-G.
Identifiers: ClinVar variation 4876144 (VCV004876144.1).

ClinVar aggregate classification (germline): Benign (1 of 4 stars; one submission).

Conditions:
Colorectal cancer, susceptibility to, 1. Also called: COLORECTAL ADENOMA AND CANCER, SUSCEPTIBILITY TO; COLORECTAL CANCER, SUSCEPTIBILITY TO, ON CHROMOSOME 9. Identifiers: MedGen C1837315, MONDO:0012132, OMIM 608812.

gnomAD v4.1: 1 of 1,614,176 alleles (0.000062%); highest among the groups gnomAD compares: Non-Finnish European, 0.000085%; no homozygotes.

Submission:

Myriad Genetics, Inc.
Classification: Benign for Colorectal cancer, susceptibility to, 1. Last evaluated: 2026-04-27. Review status: criteria provided, single submitter. Criteria: Myriad Autosomal Dominant, Autosomal Recessive and X-Linked Classification Criteria (2023). Collection method: clinical testing. Allele origin: unknown.
Comment: This variant is considered benign. This variant is a silent/synonymous amino acid change and it is not expected to impact splicing.